The following is an entry in ClinVar:

NM_015030.2(FRYL):c.1007del (p.Phe336fs)

Gene: FRYL (FRY like transcription coactivator; minus strand). Cytogenetic location: 4p11.
Variant type: Deletion.
Coding change: c.1007del on transcript NM_015030.2 (MANE Select); coding-DNA position 1007, one base deleted (T; older notation c.1007delT).
Protein change: p.Phe336fs; shifts the reading frame from phenylalanine 336.
Molecular consequence: frameshift variant.
Genome position (GRCh38, 1-based): chr4:48,602,048, A deleted on the plus strand (T on the coding strand, the reverse complement: FRYL is on the minus strand); the first of 4 consecutive A bases (chr4:48,602,048-48,602,051); deleting any one gives the same sequence. VCF-style (leftmost placement, unchanged base first): chr4-48602047-GA-G. GRCh37 (hg19) VCF-style: chr4-48604064-GA-G.
Other names: short protein forms F336fs.
Identifiers: ClinVar variation 3342655 (VCV003342655.1).
Genomic context (GRCh38, chr4:48,602,047, plus strand): 5'-TATTTACATATCAGAAGTGTGATTACATCTTACCTTTAAATGTGACAAACAGTTCTGTAG[GA>G]AAATATGCCAGTTATTTAAAAAAAATTGTTTCTGACTGACACATAAAAGGCAGGTAATTA-3'

ClinVar aggregate classification (germline): Uncertain significance (1 of 4 stars; one submission).

Submission:

GeneDx
Classification: Uncertain significance. Last evaluated: 2022-10-01. Review status: criteria provided, single submitter. Criteria: GeneDx Variant Classification Process June 2021. Collection method: clinical testing. Allele origin: germline. Affected: yes.
Comment: Not observed at significant frequency in large population cohorts (gnomAD); Has not been previously published as pathogenic or benign to our knowledge; Frameshift variant predicted to result in protein truncation or nonsense mediated decay in a gene or region of a gene for which loss of function is not a well-established mechanism of disease; Variants in candidate genes are classified as variants of uncertain significance in accordance with ACMG guidelines (Richards et al., 2015)